The following is an entry in ClinVar:

ClinVar aggregate classification (germline): Uncertain significance (1 of 4 stars; one submission).

Conditions:
Aortic aneurysm, familial thoracic 4 (AAT4). Also called: AORTIC ANEURYSM/AORTIC DISSECTION AND PATENT DUCTUS ARTERIOSUS. Identifiers: MedGen C1851504, MONDO:0007568, OMIM 132900.

Submission:

Labcorp Genetics (formerly Invitae), Labcorp
Classification: Uncertain significance for Aortic aneurysm, familial thoracic 4. Last evaluated: 2016-10-08. Review status: criteria provided, single submitter. Criteria: Invitae Variant Classification Sherloc (09022015). Collection method: clinical testing. Allele origin: germline.
Comment: In summary, this variant is a novel missense change with uncertain impact on protein function. It has been classified as a Variant of Uncertain Significance. Algorithms developed to predict the effect of missense changes on protein structure and function do not agree on the potential impact of this missense change (SIFT: "Deleterious"; PolyPhen-2: "Benign"; Align-GVGD: "Class C0"). This variant is not present in population databases (ExAC no frequency) and has not been reported in the literature in individuals with a MYH11-related disease. This sequence change replaces lysine with isoleucine at codon 1288 of the MYH11 protein (p.Lys1288Ile). The lysine residue is moderately conserved and there is a moderate physicochemical difference between lysine and isoleucine.

NM_002474.3(MYH11):c.3842A>T (p.Lys1281Ile)

Gene: MYH11 (myosin heavy chain 11; minus strand). Cytogenetic location: 16p13.11.
Variant type: single nucleotide variant.
Coding change: c.3842A>T on transcript NM_002474.3 (MANE Select); coding-DNA position 3842, A replaced by T.
Protein change: p.Lys1281Ile; replaces lysine 1281 with isoleucine.
Molecular consequence: missense variant.
Genome position (GRCh38, 1-based): chr16:15,726,864, T>A on the plus strand (A>T on the coding strand, the complement: MYH11 is on the minus strand). VCF-style: chr16-15726864-T-A. GRCh37 (hg19) VCF-style: chr16-15820721-T-A.
Other names: c.3863A>T, p.Lys1288Ile (NM_001040113.2, NM_001040114.2); c.3842A>T, p.Lys1281Ile (NM_022844.3); short protein forms K1288I, K1281I.
Identifiers: ClinVar variation 405483 (VCV000405483.8), dbSNP rs1060500730, ClinGen allele CA16614666.
Genomic context (GRCh38, chr16:15,726,864, plus strand): 5'-CACCACCCAGCACTGCCCACCACACCACCGCGCCACCTCCTCACCTGCAGCTTGTGGACT[T>A]TGTCATTGAGCTCCGCCCGGGCCCGCTCCCCATCGCTGCACTTGGACTGCAGCTCCTGCA-3'
Protein context (NP_002465.1, residues 1271-1291): GERARAELND[Lys1281Ile]VHKLQNEVES